The following is an entry in ClinVar:

NM_021096.4(CACNA1I):c.2128A>G (p.Ile710Val)

Gene: CACNA1I (calcium voltage-gated channel subunit alpha1 I; plus strand). Cytogenetic location: 22q13.1.
Variant type: single nucleotide variant.
Coding change: c.2128A>G on transcript NM_021096.4 (MANE Select); coding-DNA position 2128, A replaced by G.
Protein change: p.Ile710Val; replaces isoleucine 710 with valine.
Molecular consequence: missense variant.
Genome position (GRCh38, 1-based): chr22:39,658,287, A>G. VCF-style: chr22-39658287-A-G. GRCh37 (hg19) VCF-style: chr22-40054292-A-G.
Other names: c.2023A>G, p.Ile675Val (NM_001003406.2); short protein forms I675V, I710V.
Identifiers: ClinVar variation 2628677 (VCV002628677.1), dbSNP rs562018921, ClinGen allele CA10244076.

ClinVar aggregate classification (germline): Uncertain significance (1 of 4 stars; one submission).

Conditions:
CACNA1I-related disorder. Also called: CACNA1I-related condition.

Allele frequency attached by ClinVar (database versions not stated): ExAC 0.00001; gnomAD 0.00001; 1000 Genomes Project 30x 0.00016; 1000 Genomes Project 0.00020.
gnomAD v4.1: 1 of 1,613,900 alleles (0.000062%); highest among the groups gnomAD compares: South Asian, 0.0011%; no homozygotes.

Submission:

PreventionGenetics, part of Exact Sciences
Classification: Uncertain significance for CACNA1I-related condition. Last evaluated: 2022-11-14. Review status: criteria provided, single submitter. Criteria: ACMG Guidelines, 2015. Collection method: clinical testing. Allele origin: germline.
Comment: The CACNA1I c.2128A>G variant is predicted to result in the amino acid substitution p.Ile710Val. To our knowledge, this variant has not been reported in the literature or in a large population database, indicating this variant is rare. At this time, the clinical significance of this variant is uncertain due to the absence of conclusive functional and genetic evidence.